The following is an entry in ClinVar:

NM_000059.4(BRCA2):c.5698T>C (p.Ser1900Pro)

Gene: BRCA2 (BRCA2 DNA repair associated; plus strand). Cytogenetic location: 13q13.1.
Variant type: single nucleotide variant.
Coding change: c.5698T>C on transcript NM_000059.4 (MANE Select); coding-DNA position 5698, T replaced by C.
Protein change: p.Ser1900Pro; replaces serine 1900 with proline.
Molecular consequence: missense variant.
Genome position (GRCh38, 1-based): chr13:32,340,053, T>C. VCF-style: chr13-32340053-T-C. GRCh37 (hg19) VCF-style: chr13-32914190-T-C.
Other names: c.5698T>C, p.Ser1900Pro (NM_001406719.1, NM_001406720.1); short protein forms S1900P.
Identifiers: ClinVar variation 2110677 (VCV002110677.6), dbSNP rs2137520013, ClinGen allele CA387786709.
Genomic context (GRCh38, chr13:32,340,053, plus strand): 5'-AATAAATCAAAAATTTGCCAAACGAAAATTATGGCAGGTTGTTACGAGGCATTGGATGAT[T>C]CAGAGGATATTCTTCATAACTCTCTAGATAATGATGAATGTAGCACGCATTCACATAAGG-3'
Protein context (NP_000050.3, residues 1890-1910): MAGCYEALDD[Ser1900Pro]EDILHNSLDN

ClinVar aggregate classification (germline): Conflicting classifications of pathogenicity. Review status: criteria provided, conflicting classifications (1 of 4 stars). 2 submissions from 2 submitters: Uncertain significance (1); Likely benign (1). Last evaluated 2023-03-23.

Conditions:
Hereditary cancer-predisposing syndrome. Also called: Neoplastic Syndromes, Hereditary; Hereditary Cancer Syndrome; Hereditary neoplastic syndrome; Tumor predisposition. Identifiers: Orphanet 140162, MedGen C0027672, MeSH D009386, MONDO:0015356.
Hereditary breast ovarian cancer syndrome. Also called: Hereditary breast and ovarian cancer syndrome; BRCA1- and BRCA2-Associated Hereditary Breast and Ovarian Cancer; Hereditary breast and ovarian cancer; Hereditary breast and/or ovarian cancer syndrome; Hereditary breast and ovarian cancer syndrome (HBOC); Breast and ovarian cancer. Identifiers: Orphanet 145, MedGen C0677776, MeSH D061325, MONDO:0003582. Disease mechanism: loss of function.

Submissions (2):

University of Washington Department of Laboratory Medicine, University of Washington
Classification: Likely benign for Hereditary cancer-predisposing syndrome. Last evaluated: 2023-03-23. Review status: criteria provided, single submitter. Criteria: Dines et al. (Genet Med. 2020). Collection method: curation. Allele origin: germline.
Comment: Missense variant in a coldspot region where missense variants are very unlikely to be pathogenic (PMID:31911673).

BRCA2 exon 11 coldspot. Reclassification based on statistical prior probability.

Labcorp Genetics (formerly Invitae), Labcorp
Classification: Uncertain significance for Hereditary breast ovarian cancer syndrome. Last evaluated: 2022-03-14. Review status: criteria provided, single submitter. Criteria: Invitae Variant Classification Sherloc (09022015). Collection method: clinical testing. Allele origin: germline.
Comment: This variant has not been reported in the literature in individuals affected with BRCA2-related conditions. This sequence change replaces serine, which is neutral and polar, with proline, which is neutral and non-polar, at codon 1900 of the BRCA2 protein (p.Ser1900Pro). This variant is not present in population databases (gnomAD no frequency). Advanced modeling of protein sequence and biophysical properties (such as structural, functional, and spatial information, amino acid conservation, physicochemical variation, residue mobility, and thermodynamic stability) performed at Invitae indicates that this missense variant is not expected to disrupt BRCA2 protein function. In summary, the available evidence is currently insufficient to determine the role of this variant in disease. Therefore, it has been classified as a Variant of Uncertain Significance.